The following is an entry in ClinVar:

ClinVar aggregate classification (germline): Uncertain significance (1 of 4 stars; one submission).

Conditions:
Charcot-Marie-Tooth disease, type I (CMT1). Also called: Charcot-Marie-Tooth, Type 1; Charcot-Marie-Tooth disease type 1. Identifiers: Orphanet 65753, MedGen C0751036, MONDO:0019011.

gnomAD v4.1: 1 of 1,614,114 alleles (0.000062%); no homozygotes.

Submission:

Labcorp Genetics (formerly Invitae), Labcorp
Classification: Uncertain significance for Charcot-Marie-Tooth disease, type I. Last evaluated: 2023-11-17. Review status: criteria provided, single submitter. Criteria: Invitae Variant Classification Sherloc (09022015). Collection method: clinical testing. Allele origin: germline.
Comment: This sequence change replaces glycine, which is neutral and non-polar, with alanine, which is neutral and non-polar, at codon 119 of the EGR2 protein (p.Gly119Ala). This variant is not present in population databases (gnomAD no frequency). This variant has not been reported in the literature in individuals affected with EGR2-related conditions. Advanced modeling of protein sequence and biophysical properties (such as structural, functional, and spatial information, amino acid conservation, physicochemical variation, residue mobility, and thermodynamic stability) performed at Invitae indicates that this missense variant is not expected to disrupt EGR2 protein function with a negative predictive value of 80%. In summary, the available evidence is currently insufficient to determine the role of this variant in disease. Therefore, it has been classified as a Variant of Uncertain Significance.

NM_000399.5(EGR2):c.356G>C (p.Gly119Ala)

Gene: EGR2 (early growth response 2; minus strand). Cytogenetic location: 10q21.3.
Variant type: single nucleotide variant.
Coding change: c.356G>C on transcript NM_000399.5 (MANE Select); coding-DNA position 356, G replaced by C.
Protein change: p.Gly119Ala; replaces glycine 119 with alanine.
Molecular consequence: missense variant.
Genome position (GRCh38, 1-based): chr10:62,814,282, C>G on the plus strand (G>C on the coding strand, the complement: EGR2 is on the minus strand). VCF-style: chr10-62814282-C-G. GRCh37 (hg19) VCF-style: chr10-64574042-C-G.
Other names: c.356G>C, p.Gly119Ala (NM_001136177.3, NM_001136178.2); c.206G>C, p.Gly69Ala (NM_001136179.3, NM_001321037.2); c.395G>C, p.Gly132Ala (NM_001410931.1); short protein forms G132A, G69A, G119A.
Identifiers: ClinVar variation 2695318 (VCV002695318.3), dbSNP rs184558884, ClinGen allele CA377031172.